The following is an entry in ClinVar:

NM_004407.4(DMP1):c.*603C>T

Genes: DMP1-AS1 (DMP1 and DSPP antisense RNA 1; minus strand), DMP1 (dentin matrix acidic phosphoprotein 1; plus strand). Cytogenetic location: 4q22.1.
Variant type: single nucleotide variant.
Coding change: c.*603C>T on transcript NM_004407.4 (MANE Select); 603 bases downstream of the stop codon, C replaced by T.
Molecular consequence: 3 prime UTR variant.
Genome position (GRCh38, 1-based): chr4:87,663,923, C>T. VCF-style: chr4-87663923-C-T. GRCh37 (hg19) VCF-style: chr4-88585075-C-T.
Other names: c.*603C>T (NM_001079911.3).
Identifiers: ClinVar variation 349997 (VCV000349997.5), dbSNP rs78837592, ClinGen allele CA10621872.
Genomic context (GRCh38, chr4:87,663,923, plus strand): 5'-GGGCTTCATAGCAGAAGACATTGGAGTTGGAAGGTTGCATAGGGTTTCCTCATTGGAGAC[C>T]GGGAAATTCTATTCTTGGGATAAATAATAGTAAATTCTATAGGATTCAATACTTAGTTTG-3'

ClinVar aggregate classification (germline): Benign (1 of 4 stars; one submission).

Conditions:
Hypophosphatemic rickets, autosomal recessive, 1 (ARHR1). Also called: HYPOPHOSPHATEMIA, AUTOSOMAL RECESSIVE. Identifiers: Orphanet 289176, MedGen C4551495, MONDO:0009430, OMIM 241520. Disease mechanism: loss of function.

Allele frequency attached by ClinVar (database versions not stated): gnomAD exomes 0.00050; gnomAD 0.01364 and 0.01450; TOPMed 0.01528; 1000 Genomes Project 0.01697; 1000 Genomes Project 30x 0.01702.

Submission:

Illumina Laboratory Services, Illumina
Classification: Benign for Hypophosphatemic rickets, autosomal recessive, 1. Last evaluated: 2018-01-12. Review status: criteria provided, single submitter. Criteria: ICSL Variant Classification Criteria 13 December 2019. Collection method: clinical testing. Allele origin: germline.
Comment: This variant was observed in the ICSL laboratory as part of a predisposition screen in an ostensibly healthy population. It had not been previously curated by ICSL or reported in the Human Gene Mutation Database (HGMD: prior to June 1st, 2018), and was therefore a candidate for classification through an automated scoring system. Utilizing variant allele frequency, disease prevalence and penetrance estimates, and inheritance mode, an automated score was calculated to assess if this variant is too frequent to cause the disease. Based on the score and internal cut-off values, a variant classified as benign is not then subjected to further curation. The score for this variant resulted in a classification of benign for this disease.